The following is an entry in ClinVar:

ClinVar aggregate classification (germline): Likely benign (1 of 4 stars; one submission).

Submission:

CeGaT Center for Human Genetics Tuebingen
Classification: Likely benign. Last evaluated: 2025-11-01. Review status: criteria provided, single submitter. Criteria: CeGaT Center For Human Genetics Tuebingen Variant Classification Criteria Version 2. Collection method: clinical testing. Allele origin: germline. Affected: yes. Observed: 1 variant allele.
Comment: FMN2: BP4, BP7

NM_020066.5(FMN2):c.3303T>A (p.Pro1101=)

Gene: FMN2 (formin 2; plus strand). Cytogenetic location: 1q43.
Variant type: single nucleotide variant.
Coding change: c.3303T>A on transcript NM_020066.5 (MANE Select); coding-DNA position 3303, T replaced by A.
Protein change: p.Pro1101=; no amino-acid change (proline 1101 retained).
Molecular consequence: synonymous variant. On other transcripts: intron variant (1).
Genome position (GRCh38, 1-based): chr1:240,208,115, T>A. VCF-style: chr1-240208115-T-A. GRCh37 (hg19) VCF-style: chr1-240371415-T-A.
Other names: c.3315T>A, p.Pro1105= (NM_001305424.2); c.1986+19853T>A (NM_001348094.2).
Identifiers: ClinVar variation 4533851 (VCV004533851.6).